The following is an entry in ClinVar:

NM_020822.3(KCNT1):c.1620-14_1620-4dup

Gene: KCNT1 (potassium sodium-activated channel subfamily T member 1; plus strand). Cytogenetic location: 9q34.3.
Variant type: Duplication.
Coding change: c.1620-14_1620-4dup on transcript NM_020822.3 (MANE Select); 14 bases into the intron before coding-DNA position 1620 through 4 bases into the intron before coding-DNA position 1620, 11 bases duplicated (GCCCTGGCCCA).
Molecular consequence: intron variant.
Genome position (GRCh38, 1-based): chr9:135,770,284-135,770,294, GCCCTGGCCCA duplicated. VCF-style (leftmost placement, unchanged base first): chr9-135770283-C-CGCCCTGGCCCA. GRCh37 (hg19) VCF-style: chr9-138662129-C-CGCCCTGGCCCA.
Other names: c.1485-14_1485-4dup (NM_001272003.2).
Identifiers: ClinVar variation 2043293 (VCV002043293.4), dbSNP rs1554774825, ClinGen allele CA5327006.

ClinVar aggregate classification (germline): Uncertain significance (1 of 4 stars; one submission).

Conditions:
Developmental and epileptic encephalopathy, 14 (DEE14). Also called: Early infantile epileptic encephalopathy 14. Identifiers: Orphanet 293181, MedGen C3554195, MONDO:0013989, OMIM 614959.
Autosomal dominant nocturnal frontal lobe epilepsy 5. Also called: Epilepsy, nocturnal frontal lobe, 5; CILIARY DYSKINESIA, PRIMARY, 28, WITH SITUS INVERSUS; CILIARY DYSKINESIA, PRIMARY, 28, WITHOUT SITUS INVERSUS; KCNT1-Related Epilepsy. Identifiers: Orphanet 98784, MedGen C3554306, MONDO:0014002, OMIM 615005.

Allele frequency attached by ClinVar (database versions not stated): ExAC 0.00001; gnomAD 0.00001; gnomAD exomes 0.00001.

Submission:

Labcorp Genetics (formerly Invitae), Labcorp
Classification: Uncertain significance for Autosomal dominant nocturnal frontal lobe epilepsy 5; Developmental and epileptic encephalopathy, 14. Last evaluated: 2022-03-23. Review status: criteria provided, single submitter. Criteria: Invitae Variant Classification Sherloc (09022015). Collection method: clinical testing. Allele origin: germline.
Comment: In summary, the available evidence is currently insufficient to determine the role of this variant in disease. Therefore, it has been classified as a Variant of Uncertain Significance. Algorithms developed to predict the effect of sequence changes on RNA splicing suggest that this variant may disrupt the consensus splice site. This variant has not been reported in the literature in individuals affected with KCNT1-related conditions. This variant is present in population databases (rs754045989, gnomAD 0.003%). This sequence change falls in intron 16 of the KCNT1 gene. It does not directly change the encoded amino acid sequence of the KCNT1 protein.